The following is an entry in ClinVar:

ClinVar aggregate classification (germline): Uncertain significance (1 of 4 stars; one submission).

Conditions:
Hereditary cancer-predisposing syndrome. Also called: Neoplastic Syndromes, Hereditary; Tumor predisposition; Hereditary Cancer Syndrome; Hereditary neoplastic syndrome. Identifiers: Orphanet 140162, MedGen C0027672, MeSH D009386, MONDO:0015356.

Submission:

Ambry Genetics
Classification: Uncertain significance for Hereditary cancer-predisposing syndrome. Last evaluated: 2025-09-23. Review status: criteria provided, single submitter. Criteria: Ambry Variant Classification Scheme 2023. Collection method: clinical testing. Allele origin: germline.
Comment: The p.H138Q variant (also known as c.414C>A), located in coding exon 3 of the CDK4 gene, results from a C to A substitution at nucleotide position 414. The histidine at codon 138 is replaced by glutamine, an amino acid with highly similar properties. This amino acid position is highly conserved in available vertebrate species. In addition, this alteration is predicted to be deleterious by in silico analysis. Based on the available evidence, the clinical significance of this variant remains unclear.

NM_000075.4(CDK4):c.414C>A (p.His138Gln)

Gene: CDK4 (cyclin dependent kinase 4; minus strand). Cytogenetic location: 12q14.1.
Variant type: single nucleotide variant.
Coding change: c.414C>A on transcript NM_000075.4 (MANE Select); coding-DNA position 414, C replaced by A.
Protein change: p.His138Gln; replaces histidine 138 with glutamine.
Molecular consequence: missense variant.
Genome position (GRCh38, 1-based): chr12:57,751,031, G>T on the plus strand (C>A on the coding strand, the complement: CDK4 is on the minus strand). VCF-style: chr12-57751031-G-T. GRCh37 (hg19) VCF-style: chr12-58144814-G-T.
Other names: short protein forms H138Q.
Identifiers: ClinVar variation 4633095 (VCV004633095.1).